The following is an entry in ClinVar:

NM_001148.6(ANK2):c.9529G>C (p.Asp3177His)

Gene: ANK2 (ankyrin 2; plus strand). Cytogenetic location: 4q26.
Variant type: single nucleotide variant.
Coding change: c.9529G>C on transcript NM_001148.6 (MANE Select); coding-DNA position 9529, G replaced by C.
Protein change: p.Asp3177His; replaces aspartic acid 3177 with histidine.
Molecular consequence: missense variant. On other transcripts: intron variant (68).
Genome position (GRCh38, 1-based): chr4:113,358,147, G>C. VCF-style: chr4-113358147-G-C. GRCh37 (hg19) VCF-style: chr4-114279303-G-C.
Other names: c.9295G>C, p.Asp3099His (NM_001386142.1); c.5929G>C, p.Asp1977His (NM_001386166.1); c.9670G>C, p.Asp3224His (NM_001386174.1); c.9646G>C, p.Asp3216His (NM_001386175.1); c.4412-2676G>C (NM_001386186.2, NM_001386148.2); c.4214-2676G>C (NM_001354269.3); c.4292-2676G>C (NM_001386187.2); c.4253-2676G>C (NM_001386147.1); and 35 more; short protein forms D3177H, D3216H, D3224H, D1977H, D3099H.
Identifiers: ClinVar variation 1767269 (VCV001767269.6), dbSNP rs1404545085, ClinGen allele CA357937916.

ClinVar aggregate classification (germline): Conflicting classifications of pathogenicity. Review status: criteria provided, conflicting classifications (1 of 4 stars). 3 submissions from 3 submitters: Uncertain significance (2); Likely benign (1). Last evaluated 2024-04-01.

Conditions:
Long QT syndrome (LQTS). Identifiers: MedGen C0023976, MeSH D008133, MONDO:0002442. Disease mechanism: loss of function. Inheritance: Various modes of inheritance.
Cardiovascular phenotype. Identifiers: MedGen CN230736.

Allele frequency attached by ClinVar (database versions not stated): gnomAD exomes 0.00001; TOPMed 0.00001; gnomAD 0.00002.
gnomAD v4.1: 13 of 1,613,984 alleles (0.00081%); highest among the groups gnomAD compares: Non-Finnish European, 0.0011%; no homozygotes.

Submissions (3):

Women's Health and Genetics/Laboratory Corporation of America, LabCorp
Classification: Uncertain significance. Last evaluated: 2024-04-01. Review status: criteria provided, single submitter. Criteria: LabCorp Variant Classification Summary - May 2015. Collection method: clinical testing. Allele origin: germline.
Comment: Variant summary: ANK2 c.9529G>C (p.Asp3177His) results in a non-conservative amino acid change in the encoded protein sequence. Three of five in-silico tools predict a benign effect of the variant on protein function. The variant was absent in 250760 control chromosomes. The available data on variant occurrences in the general population are insufficient to allow any conclusion about variant significance. c.9529G>C has been reported in the literature in one individual affected with Long QT Syndrome (Roberts_2019). These report(s) do not provide unequivocal conclusions about association of the variant with Long QT Syndrome. To our knowledge, no experimental evidence demonstrating an impact on protein function has been reported. The following publication have been ascertained in the context of this evaluation (PMID: 31264976). ClinVar contains an entry for this variant (Variation ID: 1767269). Based on the evidence outlined above, the variant was classified as uncertain significance.

Labcorp Genetics (formerly Invitae), Labcorp
Classification: Uncertain significance for Long QT syndrome. Last evaluated: 2023-10-11. Review status: criteria provided, single submitter. Criteria: Invitae Variant Classification Sherloc (09022015). Collection method: clinical testing. Allele origin: germline.
Comment: This sequence change replaces aspartic acid, which is acidic and polar, with histidine, which is basic and polar, at codon 3177 of the ANK2 protein (p.Asp3177His). This variant is present in population databases (no rsID available, gnomAD 0.01%). This variant has not been reported in the literature in individuals affected with ANK2-related conditions. ClinVar contains an entry for this variant (Variation ID: 1767269). An algorithm developed to predict the effect of missense changes on protein structure and function (PolyPhen-2) suggests that this variant is likely to be tolerated. In summary, the available evidence is currently insufficient to determine the role of this variant in disease. Therefore, it has been classified as a Variant of Uncertain Significance.

Ambry Genetics
Classification: Likely benign for Cardiovascular phenotype. Last evaluated: 2019-02-08. Review status: criteria provided, single submitter. Criteria: Ambry Variant Classification Scheme 2023. Collection method: clinical testing. Allele origin: germline.

Literature cited by the submitters: PubMed 31264976 (cited by Women's Health and Genetics/Laboratory Corporation of America, LabCorp).